The following is an entry in ClinVar:

ClinVar aggregate classification (germline): Uncertain significance (1 of 4 stars; one submission).

Submission:

GeneDx
Classification: Uncertain significance. Last evaluated: 2025-03-13. Review status: criteria provided, single submitter. Criteria: GeneDx Variant Classification Process June 2021. Collection method: clinical testing. Allele origin: germline. Affected: yes.
Comment: Not observed at significant frequency in large population cohorts (gnomAD); In-frame deletion of 1 amino acid(s) in a non-repeat region; In silico analysis supports a deleterious effect on protein structure/function; Has not been previously published as pathogenic or benign to our knowledge

NM_017635.5(KMT5B):c.914_916del (p.Cys305del)

Gene: KMT5B (lysine methyltransferase 5B; minus strand). Cytogenetic location: 11q13.2.
Variant type: Deletion.
Coding change: c.914_916del on transcript NM_017635.5 (MANE Select); coding-DNA positions 914 to 916, 3 bases deleted (GTT; older notation c.914_916delGTT).
Protein change: p.Cys305del; deletes cysteine 305.
Molecular consequence: non-coding transcript variant (on NR_161378.1).
Genome position (GRCh38, 1-based): chr11:68,171,076-68,171,078, AAC deleted on the plus strand (GTT on the coding strand, the reverse complement: KMT5B is on the minus strand); deleting any 3 consecutive bases within chr11:68,171,076-68,171,080 gives the same sequence; the c. name uses the placement nearest the transcript's 3' end. VCF-style (leftmost placement, unchanged base first): chr11-68171075-TAAC-T. GRCh37 (hg19) VCF-style: chr11-67938542-TAAC-T.
Other names: c.398_400del, p.Cys133del (NM_001300907.1, NM_001369424.1, NM_001369428.1 and 5 more transcripts); c.194_196del, p.Cys65del (NM_001300908.2); c.845_847del, p.Cys282del (NM_001300909.2); c.914_916del, p.Cys305del (NM_001363566.2, NM_001369426.1, NM_001369427.1 and 1 more transcripts); c.701_703del, p.Cys234del (NM_001369425.1); short protein forms C133del, C234del, C282del, C305del, C65del.
Identifiers: ClinVar variation 4083281 (VCV004083281.1).